The following is an entry in ClinVar:

ClinVar aggregate classification (germline): Likely benign (1 of 4 stars; one submission).

Allele frequency attached by ClinVar (database versions not stated): gnomAD exomes below 0.00001; ExAC 0.00002.
gnomAD v4.1: 7 of 1,614,236 alleles (0.00043%); highest among the groups gnomAD compares: South Asian, 0.0066%; no homozygotes.

Submission:

CeGaT Center for Human Genetics Tuebingen
Classification: Likely benign. Last evaluated: 2023-02-01. Review status: criteria provided, single submitter. Criteria: CeGaT Center For Human Genetics Tuebingen Variant Classification Criteria Version 2. Collection method: clinical testing. Allele origin: germline. Affected: yes. Observed: 1 variant allele.
Comment: ENTPD1: BP4, BP7

NM_001776.6(ENTPD1):c.1422C>T (p.His474=)

Genes: ENTPD1 (ectonucleoside triphosphate diphosphohydrolase 1; plus strand), ENTPD1-AS1 (ENTPD1 antisense RNA 1; minus strand). Cytogenetic location: 10q24.1.
Variant type: single nucleotide variant.
Coding change: c.1422C>T on transcript NM_001776.6 (MANE Select); coding-DNA position 1422, C replaced by T.
Protein change: p.His474=; no amino-acid change (histidine 474 retained).
Molecular consequence: synonymous variant. On other transcripts: intron variant (1).
Genome position (GRCh38, 1-based): chr10:95,866,272, C>T. VCF-style: chr10-95866272-C-T. GRCh37 (hg19) VCF-style: chr10-97626029-C-T.
Other names: c.1443C>T, p.His481= (NM_001098175.2); c.1458C>T, p.His486= (NM_001164178.1); c.1299C>T, p.His433= (NM_001164179.2); c.1098C>T, p.His366= (NM_001164181.1, NM_001312654.1); c.1008C>T, p.His336= (NM_001164182.2, NM_001164183.2); c.1362+1411C>T (NM_001320916.1).
Identifiers: ClinVar variation 2640720 (VCV002640720.24), dbSNP rs746932318, ClinGen allele CA5621655.